The following is an entry in ClinVar:

ClinVar aggregate classification (germline): Uncertain significance. Review status: criteria provided, single submitter (1 of 4 stars). 2 submissions from 2 submitters: Uncertain significance (1). 1 of the submissions does not count toward it. Last evaluated 2022-07-05.

Conditions:
Primary ciliary dyskinesia. Also called: Ciliary dyskinesia. Identifiers: Orphanet 244, MedGen C0008780, MONDO:0016575, HP:0012265.

Allele frequency attached by ClinVar (database versions not stated): ExAC 0.00001; gnomAD exomes 0.00001 and 0.00002; gnomAD 0.00003; TOPMed 0.00005.
gnomAD v4.1: 15 of 1,613,740 alleles (0.00093%); highest among the groups gnomAD compares: Admixed American, 0.0067%; no homozygotes.

Submissions (2):

Labcorp Genetics (formerly Invitae), Labcorp
Classification: Uncertain significance for Primary ciliary dyskinesia. Last evaluated: 2022-07-05. Review status: criteria provided, single submitter. Criteria: Invitae Variant Classification Sherloc (09022015). Collection method: clinical testing. Allele origin: germline.
Comment: This sequence change replaces arginine, which is basic and polar, with glycine, which is neutral and non-polar, at codon 163 of the DNAI2 protein (p.Arg163Gly). This variant is present in population databases (rs753284790, gnomAD 0.004%). This variant has not been reported in the literature in individuals affected with DNAI2-related conditions. ClinVar contains an entry for this variant (Variation ID: 838075). Algorithms developed to predict the effect of missense changes on protein structure and function are either unavailable or do not agree on the potential impact of this missense change (SIFT: "Tolerated"; PolyPhen-2: "Probably Damaging"; Align-GVGD: "Class C0"). In summary, the available evidence is currently insufficient to determine the role of this variant in disease. Therefore, it has been classified as a Variant of Uncertain Significance.

Natera, Inc.
Classification: Uncertain significance for Primary ciliary dyskinesia. Last evaluated: 2021-02-22. Review status: no assertion criteria provided. Collection method: clinical testing. Allele origin: germline. Not counted in ClinVar's aggregate classification.

NM_023036.6(DNAI2):c.487A>G (p.Arg163Gly)

Gene: DNAI2 (dynein axonemal intermediate chain 2; plus strand). Cytogenetic location: 17q25.1.
Variant type: single nucleotide variant.
Coding change: c.487A>G on transcript NM_023036.6 (MANE Select); coding-DNA position 487, A replaced by G.
Protein change: p.Arg163Gly; replaces arginine 163 with glycine.
Molecular consequence: missense variant. On other transcripts: non-coding transcript variant (1).
Genome position (GRCh38, 1-based): chr17:74,289,613, A>G. VCF-style: chr17-74289613-A-G. GRCh37 (hg19) VCF-style: chr17-72285752-A-G.
Other names: c.487A>G, p.Arg163Gly (NM_001172810.3, NM_001353167.2); short protein forms R163G.
Identifiers: ClinVar variation 838075 (VCV000838075.7), dbSNP rs753284790, ClinGen allele CA8745384.